The following is an entry in ClinVar:

ClinVar aggregate classification (germline): Uncertain significance (1 of 4 stars; one submission).

Submission:

GeneDx
Classification: Uncertain significance. Last evaluated: 2020-12-29. Review status: criteria provided, single submitter. Criteria: GeneDx Variant Classification Process June 2021. Collection method: clinical testing. Allele origin: germline. Affected: yes.
Comment: Not observed at a significant frequency in large population cohorts (Lek et al., 2016); In silico analysis supports that this missense variant does not alter protein structure/function; Has not been previously published as pathogenic or benign to our knowledge

NM_004387.4(NKX2-5):c.410G>C (p.Arg137Pro)

Gene: NKX2-5 (NK2 homeobox 5; minus strand). Cytogenetic location: 5q35.1.
Variant type: single nucleotide variant.
Coding change: c.410G>C on transcript NM_004387.4 (MANE Select); coding-DNA position 410, G replaced by C.
Protein change: p.Arg137Pro; replaces arginine 137 with proline.
Molecular consequence: missense variant. On other transcripts: 3 prime UTR variant (2).
Genome position (GRCh38, 1-based): chr5:173,233,134, C>G on the plus strand (G>C on the coding strand, the complement: NKX2-5 is on the minus strand). VCF-style: chr5-173233134-C-G. GRCh37 (hg19) VCF-style: chr5-172660137-C-G.
Other names: c.*363G>C (NM_001166175.2); c.*209G>C (NM_001166176.2); short protein forms R137P.
Identifiers: ClinVar variation 1302922 (VCV001302922.2), dbSNP rs761127819, ClinGen allele CA362161920.